The following is an entry in ClinVar:

NM_002691.4(POLD1):c.47A>G (p.Lys16Arg)

Gene: POLD1 (DNA polymerase delta 1, catalytic subunit; plus strand). Cytogenetic location: 19q13.33.
Variant type: single nucleotide variant.
Coding change: c.47A>G on transcript NM_002691.4 (MANE Select); coding-DNA position 47, A replaced by G.
Protein change: p.Lys16Arg; replaces lysine 16 with arginine.
Molecular consequence: missense variant. On other transcripts: non-coding transcript variant (1).
Genome position (GRCh38, 1-based): chr19:50,398,898, A>G. VCF-style: chr19-50398898-A-G. GRCh37 (hg19) VCF-style: chr19-50902155-A-G.
Other names: c.47A>G, p.Lys16Arg (NM_001256849.1, NM_001308632.1, NM_001438210.1 and 3 more transcripts); short protein forms K16R.
Identifiers: ClinVar variation 4862186 (VCV004862186.1).

ClinVar aggregate classification (germline): Uncertain significance (1 of 4 stars; one submission).

Conditions:
Hereditary cancer-predisposing syndrome. Also called: Neoplastic Syndromes, Hereditary; Tumor predisposition; Hereditary Cancer Syndrome; Hereditary neoplastic syndrome. Identifiers: Orphanet 140162, MedGen C0027672, MeSH D009386, MONDO:0015356.

Submission:

Ambry Genetics
Classification: Uncertain significance for Hereditary cancer-predisposing syndrome. Last evaluated: 2026-04-25. Review status: criteria provided, single submitter. Criteria: Ambry Variant Classification Scheme 2023. Collection method: clinical testing. Allele origin: germline.
Comment: The p.K16R variant (also known as c.47A>G), located in coding exon 1 of the POLD1 gene, results from an A to G substitution at nucleotide position 47. The lysine at codon 16 is replaced by arginine, an amino acid with highly similar properties. This amino acid position is conserved. In addition, this alteration is predicted to be tolerated by in silico analysis. Based on the available evidence, the clinical significance of this variant remains unclear.